The following is an entry in ClinVar:

ClinVar aggregate classification (germline): Conflicting classifications of pathogenicity. Review status: criteria provided, conflicting classifications (1 of 4 stars). 3 submissions from 3 submitters: Uncertain significance (2); Likely benign (1). Last evaluated 2025-07-08.

Allele frequency attached by ClinVar (database versions not stated): gnomAD exomes 0.00003; ExAC 0.00007; ESP Exome Variant Server 0.00008; gnomAD 0.00010; TOPMed 0.00013.

Submissions (3):

GeneDx
Classification: Uncertain significance. Last evaluated: 2025-07-08. Review status: criteria provided, single submitter. Criteria: GeneDx Variant Classification Process June 2021. Collection method: clinical testing. Allele origin: germline.
Comment: In silico analysis suggests that this missense variant does not alter protein structure/function; Has not been previously published as pathogenic or benign to our knowledge

Blueprint Genetics
Classification: Likely benign. Last evaluated: 2023-12-14. Review status: criteria provided, single submitter. Criteria: ACMG Guidelines, 2015. Collection method: clinical testing. Allele origin: germline.

Labcorp Genetics (formerly Invitae), Labcorp
Classification: Uncertain significance. Last evaluated: 2023-05-03. Review status: criteria provided, single submitter. Criteria: Invitae Variant Classification Sherloc (09022015). Collection method: clinical testing. Allele origin: germline.
Comment: This sequence change replaces alanine, which is neutral and non-polar, with threonine, which is neutral and polar, at codon 177 of the DSPP protein (p.Ala177Thr). In summary, the available evidence is currently insufficient to determine the role of this variant in disease. Therefore, it has been classified as a Variant of Uncertain Significance. Algorithms developed to predict the effect of missense changes on protein structure and function output the following: SIFT: "Not Available"; PolyPhen-2: "Benign"; Align-GVGD: "Not Available". The threonine amino acid residue is found in multiple mammalian species, which suggests that this missense change does not adversely affect protein function. This variant has not been reported in the literature in individuals affected with DSPP-related conditions. This variant is present in population databases (rs374609929, gnomAD 0.02%).

NM_014208.3(DSPP):c.529G>A (p.Ala177Thr)

Genes: DMP1-AS1 (DMP1 and DSPP antisense RNA 1; minus strand), DSPP (dentin sialophosphoprotein; plus strand). Cytogenetic location: 4q22.1.
Variant type: single nucleotide variant.
Coding change: c.529G>A on transcript NM_014208.3 (MANE Select); coding-DNA position 529, G replaced by A.
Protein change: p.Ala177Thr; replaces alanine 177 with threonine.
Molecular consequence: missense variant.
Genome position (GRCh38, 1-based): chr4:87,612,715, G>A. VCF-style: chr4-87612715-G-A. GRCh37 (hg19) VCF-style: chr4-88533867-G-A.
Other names: short protein forms A177T.
Identifiers: ClinVar variation 2883023 (VCV002883023.6), dbSNP rs374609929, ClinGen allele CA3000914.